The following is an entry in ClinVar:

ClinVar aggregate classification (germline): Pathogenic (1 of 4 stars; one submission).

Conditions:
Dilated cardiomyopathy 1DD (CMD1DD). Identifiers: Orphanet 154, MedGen C2750995, MONDO:0013168, OMIM 613172.

Submission:

Labcorp Genetics (formerly Invitae), Labcorp
Classification: Pathogenic for Dilated cardiomyopathy 1DD. Last evaluated: 2025-11-21. Review status: criteria provided, single submitter. Criteria: Invitae Variant Classification Sherloc (09022015). Collection method: clinical testing. Allele origin: germline.
Comment: This sequence change creates a premature translational stop signal (p.Arg781Glyfs*129) in the RBM20 gene. It is expected to result in an absent or disrupted protein product. Loss-of-function variants in RBM20 are known to be pathogenic (PMID: 20590677, 22004663, 38288598, 38510713, 40339755). This variant is not present in population databases (gnomAD no frequency). This variant has not been reported in the literature in individuals affected with RBM20-related conditions. ClinVar contains an entry for this variant (Variation ID: 3637496). For these reasons, this variant has been classified as Pathogenic.

Literature cited by the submitters: PubMed 20590677; PubMed 22004663; PubMed 38288598; PubMed 38510713; PubMed 40339755.

NM_001134363.3(RBM20):c.2337del (p.Arg781fs)

Gene: RBM20 (RNA binding motif protein 20; plus strand). Cytogenetic location: 10q25.2.
Variant type: Deletion.
Coding change: c.2337del on transcript NM_001134363.3 (MANE Select); coding-DNA position 2337, one base deleted (C; older notation c.2337delC).
Protein change: p.Arg781fs; shifts the reading frame from arginine 781.
Molecular consequence: frameshift variant.
Genome position (GRCh38, 1-based): chr10:110,812,734, C deleted; the last of 5 consecutive C bases (chr10:110,812,730-110,812,734); deleting any one gives the same sequence. VCF-style (leftmost placement, unchanged base first): chr10-110812729-GC-G. GRCh37 (hg19) VCF-style: chr10-112572487-GC-G.
Other names: short protein forms R781fs.
Identifiers: ClinVar variation 3637496 (VCV003637496.2).